The following is an entry in ClinVar:

NM_001378615.1(CC2D2A):c.2483G>A (p.Arg828Gln)

Genes: CC2D2A (coiled-coil and C2 domain containing 2A; plus strand), FBXL5 (F-box and leucine rich repeat protein 5; minus strand). Cytogenetic location: 4p15.32.
Variant type: single nucleotide variant.
Coding change: c.2483G>A on transcript NM_001378615.1 (MANE Select); coding-DNA position 2483, G replaced by A.
Protein change: p.Arg828Gln; replaces arginine 828 with glutamine.
Molecular consequence: missense variant.
Genome position (GRCh38, 1-based): chr4:15,553,302, G>A. VCF-style: chr4-15553302-G-A. GRCh37 (hg19) VCF-style: chr4-15554925-G-A.
Other names: c.2483G>A, p.Arg828Gln (NM_001080522.2); c.2336G>A, p.Arg779Gln (NM_001378617.1); short protein forms R828Q, R779Q.
Identifiers: ClinVar variation 287246 (VCV000287246.13), dbSNP rs375243763, ClinGen allele CA2863930.

ClinVar aggregate classification (germline): Conflicting classifications of pathogenicity. Review status: criteria provided, conflicting classifications (1 of 4 stars). 3 submissions from 3 submitters: Uncertain significance (2); Likely benign (1). Last evaluated 2026-01-17.

Conditions:
Joubert syndrome. Also called: Familial aplasia of the vermis; JOUBERT-BOLTSHAUSER SYNDROME. Identifiers: Orphanet 475, MedGen C5979921, MONDO:0018772.
Meckel-Gruber syndrome. Also called: Dysencephalia splachnocystica; DYSENCEPHALIA SPLANCHNOCYSTICA; GRUBER SYNDROME. Identifiers: Orphanet 564, MedGen C0265215, MONDO:0018921.
COACH syndrome 1. Identifiers: Orphanet 1454, MedGen C5435651, MONDO:0800103, OMIM 216360, MONDO:0008996.

Allele frequency attached by ClinVar (database versions not stated): TOPMed 0.00005; ExAC 0.00006; gnomAD 0.00007 and 0.00008; gnomAD exomes 0.00007 and 0.00011; ESP Exome Variant Server 0.00008.
gnomAD v4.1: 167 of 1,611,986 alleles (0.01%); highest among the groups gnomAD compares: Non-Finnish European, 0.012%; no homozygotes.

Submissions (3):

Labcorp Genetics (formerly Invitae), Labcorp
Classification: Likely benign for Joubert syndrome; Meckel-Gruber syndrome. Last evaluated: 2026-01-17. Review status: criteria provided, single submitter. Criteria: Invitae Variant Classification Sherloc (09022015). Collection method: clinical testing. Allele origin: germline.

Baylor Genetics
Classification: Uncertain significance for COACH syndrome 1. Last evaluated: 2018-09-14. Review status: criteria provided, single submitter. Criteria: ACMG Guidelines, 2015. Collection method: clinical testing. Allele origin: unknown. Affected: yes.
Comment: This variant was determined to be of uncertain significance according to ACMG Guidelines, 2015 [PMID:25741868].

Eurofins Ntd Llc (ga)
Classification: Uncertain significance. Last evaluated: 2018-08-29. Review status: criteria provided, single submitter. Criteria: EGL ClinVar v180209 classification definitions. Collection method: clinical testing. Allele origin: germline. Observed: 3 variant alleles, 3 heterozygotes.